The following is an entry in ClinVar:

ClinVar aggregate classification (germline): Uncertain significance (1 of 4 stars; one submission).

Conditions:
Neurodevelopmental disorder with coarse facies and mild distal skeletal abnormalities. Also called: STOLERMAN NEURODEVELOPMENTAL SYNDROME. Identifiers: MedGen C5193134, MONDO:0032790, OMIM 618505.

Submission:

Mendelics
Classification: Uncertain significance for Neurodevelopmental disorder with coarse facies and mild distal skeletal abnormalities. Last evaluated: 2026-03-05. Review status: criteria provided, single submitter. Criteria: ACMG Guidelines, 2015. Collection method: clinical testing. Allele origin: unknown.
Comment: The available evidence is insufficient to conclusively determine the role of this variant. Therefore, it is classified as a Variant of Uncertain Significance.

NM_001348716.2(KDM6B):c.1201A>C (p.Ser401Arg)

Gene: KDM6B (lysine demethylase 6B; plus strand). Cytogenetic location: 17p13.1.
Variant type: single nucleotide variant.
Coding change: c.1201A>C on transcript NM_001348716.2 (MANE Select); coding-DNA position 1201, A replaced by C.
Protein change: p.Ser401Arg; replaces serine 401 with arginine.
Molecular consequence: missense variant.
Genome position (GRCh38, 1-based): chr17:7,847,396, A>C. VCF-style: chr17-7847396-A-C. GRCh37 (hg19) VCF-style: chr17-7750714-A-C.
Other names: c.1201A>C, p.Ser401Arg (NM_001080424.2); short protein forms S401R.
Identifiers: ClinVar variation 4813526 (VCV004813526.1).